The following is an entry in ClinVar:

ClinVar aggregate classification (germline): Uncertain significance (1 of 4 stars; one submission).

Conditions:
Peroxisome biogenesis disorder, complementation group K (CGK). Identifiers: MedGen C1866257, MONDO:0800365.

Allele frequency attached by ClinVar (database versions not stated): TOPMed below 0.00001; ExAC 0.00001; gnomAD 0.00001; gnomAD exomes 0.00001.
gnomAD v4.1: 18 of 1,612,678 alleles (0.0011%); highest among the groups gnomAD compares: African/African-American, 0.0027%; no homozygotes.

Submission:

Labcorp Genetics (formerly Invitae), Labcorp
Classification: Uncertain significance for Peroxisome biogenesis disorder, complementation group K. Last evaluated: 2022-06-28. Review status: criteria provided, single submitter. Criteria: Invitae Variant Classification Sherloc (09022015). Collection method: clinical testing. Allele origin: germline.
Comment: This sequence change replaces glutamine, which is neutral and polar, with lysine, which is basic and polar, at codon 346 of the PEX14 protein (p.Gln346Lys). This variant is present in population databases (rs773295464, gnomAD 0.007%). This variant has not been reported in the literature in individuals affected with PEX14-related conditions. Algorithms developed to predict the effect of missense changes on protein structure and function are either unavailable or do not agree on the potential impact of this missense change (SIFT: "Tolerated"; PolyPhen-2: "Probably Damaging"; Align-GVGD: "Class C0"). In summary, the available evidence is currently insufficient to determine the role of this variant in disease. Therefore, it has been classified as a Variant of Uncertain Significance.

NM_004565.3(PEX14):c.1036C>A (p.Gln346Lys)

Gene: PEX14 (peroxisomal biogenesis factor 14; plus strand). Cytogenetic location: 1p36.22.
Variant type: single nucleotide variant.
Coding change: c.1036C>A on transcript NM_004565.3 (MANE Select); coding-DNA position 1036, C replaced by A.
Protein change: p.Gln346Lys; replaces glutamine 346 with lysine.
Molecular consequence: missense variant.
Genome position (GRCh38, 1-based): chr1:10,629,889, C>A. VCF-style: chr1-10629889-C-A. GRCh37 (hg19) VCF-style: chr1-10689946-C-A.
Other names: short protein forms Q346K.
Identifiers: ClinVar variation 2164696 (VCV002164696.1), dbSNP rs773295464, ClinGen allele CA584022.